The following is an entry in ClinVar:

ClinVar aggregate classification (germline): Uncertain significance. Review status: criteria provided, multiple submitters, no conflicts (2 of 4 stars). 2 submissions from 2 submitters: Uncertain significance (2). Last evaluated 2024-02-12.

Conditions:
Familial thoracic aortic aneurysm and aortic dissection (TAAD). Also called: Thoracic aortic aneurysms and dissections. Identifiers: Orphanet 91387, MedGen C4707243, MONDO:0019625.

gnomAD v4.1: 12 of 1,605,578 alleles (0.00075%); highest among the groups gnomAD compares: Non-Finnish European, 0.00085%; no homozygotes.

Submissions (2):

Color Diagnostics, LLC DBA Color Health
Classification: Uncertain significance for Familial thoracic aortic aneurysm and aortic dissection. Last evaluated: 2024-02-12. Review status: criteria provided, single submitter. Criteria: ACMG Guidelines, 2015. Collection method: clinical testing. Allele origin: germline.
Comment: This missense variant replaces glutamic acid with lysine at codon 1751 of the MYH11 protein. Computational prediction suggests that this variant may have deleterious impact on protein structure and function (internally defined REVEL score threshold >= 0.7, PMID: 27666373). To our knowledge, functional studies have not been reported for this variant. This variant has not been reported in individuals affected with MYH11-related disorders in the literature. This variant has not been identified in the general population by the Genome Aggregation Database (gnomAD). The available evidence is insufficient to determine the role of this variant in disease conclusively. Therefore, this variant is classified as a Variant of Uncertain Significance.

Ambry Genetics
Classification: Uncertain significance for Familial thoracic aortic aneurysm and aortic dissection. Last evaluated: 2022-09-08. Review status: criteria provided, single submitter. Criteria: Ambry Variant Classification Scheme 2023. Collection method: clinical testing. Allele origin: germline.
Comment: The p.E1744K variant (also known as c.5230G>A), located in coding exon 36 of the MYH11 gene, results from a G to A substitution at nucleotide position 5230. The glutamic acid at codon 1744 is replaced by lysine, an amino acid with similar properties. This amino acid position is conserved. In addition, this alteration is predicted to be deleterious by in silico analysis. Since supporting evidence is limited at this time, the clinical significance of this alteration remains unclear.

NM_002474.3(MYH11):c.5230G>A (p.Glu1744Lys)

Genes: NDE1 (nudE neurodevelopment protein 1; plus strand), MYH11 (myosin heavy chain 11; minus strand). Cytogenetic location: 16p13.11.
Variant type: single nucleotide variant.
Coding change: c.5230G>A on transcript NM_002474.3 (MANE Select); coding-DNA position 5230, G replaced by A.
Protein change: p.Glu1744Lys; replaces glutamic acid 1744 with lysine.
Molecular consequence: missense variant. On other transcripts: intron variant (2).
Genome position (GRCh38, 1-based): chr16:15,718,380, C>T on the plus strand (G>A on the coding strand, the complement: MYH11 is on the minus strand). VCF-style: chr16-15718380-C-T. GRCh37 (hg19) VCF-style: chr16-15812237-C-T.
Other names: c.5251G>A, p.Glu1751Lys (NM_001040113.2, NM_001040114.2); c.5230G>A, p.Glu1744Lys (NM_022844.3); c.948-5811C>T (NM_001143979.2, NM_017668.3); short protein forms E1744K, E1751K.
Identifiers: ClinVar variation 1746236 (VCV001746236.3), dbSNP rs1255151226, ClinGen allele CA394850175.